The following is an entry in ClinVar:

NM_001370259.2(MEN1):c.1378C>G (p.Arg460Gly)

Gene: MEN1 (menin 1; minus strand). Cytogenetic location: 11q13.1.
Variant type: single nucleotide variant.
Coding change: c.1378C>G on transcript NM_001370259.2 (MANE Select); coding-DNA position 1378, C replaced by G.
Protein change: p.Arg460Gly; replaces arginine 460 with glycine.
Molecular consequence: missense variant.
Genome position (GRCh38, 1-based): chr11:64,804,789, G>C on the plus strand (C>G on the coding strand, the complement: MEN1 is on the minus strand). VCF-style: chr11-64804789-G-C. GRCh37 (hg19) VCF-style: chr11-64572261-G-C.
Other names: c.1504C>G, p.Arg502Gly (NM_001407144.1, NM_001370251.2, NM_001407142.1 and 1 more transcripts); c.1393C>G, p.Arg465Gly (NM_001407145.1, NM_000244.4, NM_130800.3 and 4 more transcripts); c.1378C>G, p.Arg460Gly (NM_001407146.1, NM_001407147.1, NM_001370260.2 and 2 more transcripts); c.1273C>G, p.Arg425Gly (NM_001407148.1, NM_001407149.1, NM_001370262.2 and 1 more transcripts); c.1519C>G, p.Arg507Gly (NM_001407150.1); c.1399C>G, p.Arg467Gly (NM_001407151.1); c.1213C>G, p.Arg405Gly (NM_001407152.1); short protein forms R405G, R425G, R460G, R465G, R467G, R502G, R507G.
Identifiers: ClinVar variation 2415411 (VCV002415411.6), dbSNP rs104894267, ClinGen allele CA381179808.

ClinVar aggregate classification (germline): Uncertain significance (1 of 4 stars; one submission).

Conditions:
Multiple endocrine neoplasia, type 1 (MEN1). Also called: MEN I; WERMER SYNDROME; Endocrine adenomatosis multiple; MEN 1; MEA I. Identifiers: Orphanet 652, MedGen C0025267, MeSH D018761, MONDO:0007540, OMIM 131100.

gnomAD v4.1: 2 of 1,597,008 alleles (0.00013%); highest among the groups gnomAD compares: Non-Finnish European, 0.00017%; no homozygotes.

Submission:

Labcorp Genetics (formerly Invitae), Labcorp
Classification: Uncertain significance for Multiple endocrine neoplasia, type 1. Last evaluated: 2022-08-04. Review status: criteria provided, single submitter. Criteria: Invitae Variant Classification Sherloc (09022015). Collection method: clinical testing. Allele origin: germline.
Comment: Advanced modeling of protein sequence and biophysical properties (such as structural, functional, and spatial information, amino acid conservation, physicochemical variation, residue mobility, and thermodynamic stability) performed at Invitae indicates that this missense variant is not expected to disrupt MEN1 protein function. In summary, the available evidence is currently insufficient to determine the role of this variant in disease. Therefore, it has been classified as a Variant of Uncertain Significance. This variant has not been reported in the literature in individuals affected with MEN1-related conditions. This variant is not present in population databases (gnomAD no frequency). This sequence change replaces arginine, which is basic and polar, with glycine, which is neutral and non-polar, at codon 460 of the MEN1 protein (p.Arg460Gly).